The following is an entry in ClinVar:

ClinVar aggregate classification (germline): Uncertain significance (1 of 4 stars; one submission).

Conditions:
Charcot-Marie-Tooth disease type 4. Also called: Charcot-Marie-Tooth, Type 4; Charcot-Marie-Tooth disease, type IV. Identifiers: Orphanet 64749, MedGen C4082197, MONDO:0018995.

Allele frequency attached by ClinVar (database versions not stated): gnomAD 0.00004; TOPMed 0.00004; gnomAD exomes 0.00005 and 0.00006; ExAC 0.00007; ESP Exome Variant Server 0.00023.
gnomAD v4.1: 79 of 1,613,970 alleles (0.0049%); highest among the groups gnomAD compares: East Asian, 0.029%; no homozygotes.

Submission:

Labcorp Genetics (formerly Invitae), Labcorp
Classification: Uncertain significance for Charcot-Marie-Tooth disease type 4. Last evaluated: 2022-09-07. Review status: criteria provided, single submitter. Criteria: Invitae Variant Classification Sherloc (09022015). Collection method: clinical testing. Allele origin: germline.
Comment: In summary, the available evidence is currently insufficient to determine the role of this variant in disease. Therefore, it has been classified as a Variant of Uncertain Significance. Algorithms developed to predict the effect of sequence changes on RNA splicing suggest that this variant may create or strengthen a splice site. Algorithms developed to predict the effect of missense changes on protein structure and function are either unavailable or do not agree on the potential impact of this missense change (SIFT: "Tolerated"; PolyPhen-2: "Probably Damaging"; Align-GVGD: "Class C0"). ClinVar contains an entry for this variant (Variation ID: 1001214). This variant has not been reported in the literature in individuals affected with PRX-related conditions. This variant is present in population databases (rs151110565, gnomAD 0.03%). This sequence change replaces glycine, which is neutral and non-polar, with arginine, which is basic and polar, at codon 428 of the PRX protein (p.Gly428Arg).

NM_181882.3(PRX):c.1282G>A (p.Gly428Arg)

Gene: PRX (periaxin; minus strand). Cytogenetic location: 19q13.2.
Variant type: single nucleotide variant.
Coding change: c.1282G>A on transcript NM_181882.3 (MANE Select); coding-DNA position 1282, G replaced by A.
Protein change: p.Gly428Arg; replaces glycine 428 with arginine.
Molecular consequence: missense variant. On other transcripts: 3 prime UTR variant (1).
Genome position (GRCh38, 1-based): chr19:40,397,070, C>T on the plus strand (G>A on the coding strand, the complement: PRX is on the minus strand). VCF-style: chr19-40397070-C-T. GRCh37 (hg19) VCF-style: chr19-40902977-C-T.
Other names: c.*1487G>A (NM_020956.2); short protein forms G428R.
Identifiers: ClinVar variation 1001214 (VCV001001214.4), dbSNP rs151110565, ClinGen allele CA9444292.